The following is an entry in ClinVar:

ClinVar aggregate classification (germline): Uncertain significance (1 of 4 stars; one submission).

gnomAD v4.1: 3 of 1,430,966 alleles (0.00021%); highest among the groups gnomAD compares: Non-Finnish European, 0.0003%; no homozygotes.

Submission:

Labcorp Genetics (formerly Invitae), Labcorp
Classification: Uncertain significance. Last evaluated: 2022-08-09. Review status: criteria provided, single submitter. Criteria: Invitae Variant Classification Sherloc (09022015). Collection method: clinical testing. Allele origin: germline.
Comment: ClinVar contains an entry for this variant (Variation ID: 1055809). This sequence change replaces threonine, which is neutral and polar, with serine, which is neutral and polar, at codon 660 of the GNPAT protein (p.Thr660Ser). This variant is not present in population databases (gnomAD no frequency). This variant has not been reported in the literature in individuals affected with GNPAT-related conditions. Algorithms developed to predict the effect of missense changes on protein structure and function output the following: SIFT: "Tolerated"; PolyPhen-2: "Benign"; Align-GVGD: "Class C0". The serine amino acid residue is found in multiple mammalian species, which suggests that this missense change does not adversely affect protein function. In summary, the available evidence is currently insufficient to determine the role of this variant in disease. Therefore, it has been classified as a Variant of Uncertain Significance.

NM_014236.4(GNPAT):c.1978A>T (p.Thr660Ser)

Gene: GNPAT (glyceronephosphate O-acyltransferase; plus strand). Cytogenetic location: 1q42.2.
Variant type: single nucleotide variant.
Coding change: c.1978A>T on transcript NM_014236.4 (MANE Select); coding-DNA position 1978, A replaced by T.
Protein change: p.Thr660Ser; replaces threonine 660 with serine.
Molecular consequence: missense variant.
Genome position (GRCh38, 1-based): chr1:231,276,175, A>T. VCF-style: chr1-231276175-A-T. GRCh37 (hg19) VCF-style: chr1-231411921-A-T.
Other names: c.1795A>T, p.Thr599Ser (NM_001316350.2); short protein forms T599S, T660S.
Identifiers: ClinVar variation 1055809 (VCV001055809.5), dbSNP rs2102829086, ClinGen allele CA345240579.